The following is an entry in ClinVar:

NM_182972.3(IRF2BP2):c.10_30del (p.Ala4_Ala10del)

Gene: IRF2BP2 (interferon regulatory factor 2 binding protein 2; minus strand). Cytogenetic location: 1q42.3.
Variant type: Deletion.
Coding change: c.10_30del on transcript NM_182972.3 (MANE Select); coding-DNA positions 10 to 30, 21 bases deleted (GCGGTGGCGGTGGCGGCCGCG).
Protein change: p.Ala4_Ala10del.
Molecular consequence: inframe deletion, initiator codon variant.
Genome position (GRCh38, 1-based): chr1:234,609,465-234,609,485, CGCGGCCGCCACCGCCACCGC deleted on the plus strand (GCGGTGGCGGTGGCGGCCGCG on the coding strand, the reverse complement: IRF2BP2 is on the minus strand); deleting any 21 consecutive bases within chr1:234,609,465-234,609,492 gives the same sequence; the c. name uses the placement nearest the transcript's 3' end. VCF-style (leftmost placement, unchanged base first): chr1-234609464-ACGCGGCCGCCACCGCCACCGC-A. GRCh37 (hg19) VCF-style: chr1-234745210-ACGCGGCCGCCACCGCCACCGC-A.
Other names: c.10_30del, p.Ala4_Ala10del (NM_001077397.1).
Identifiers: ClinVar variation 2030890 (VCV002030890.5), dbSNP rs2528524847, ClinGen allele CA2580062351.

ClinVar aggregate classification (germline): Uncertain significance (1 of 4 stars; one submission).

Submission:

Labcorp Genetics (formerly Invitae), Labcorp
Classification: Uncertain significance. Last evaluated: 2022-09-26. Review status: criteria provided, single submitter. Criteria: Invitae Variant Classification Sherloc (09022015). Collection method: clinical testing. Allele origin: germline.
Comment: In summary, the available evidence is currently insufficient to determine the role of this variant in disease. Therefore, it has been classified as a Variant of Uncertain Significance. Experimental studies and prediction algorithms are not available or were not evaluated, and the functional significance of this variant is currently unknown. This variant has not been reported in the literature in individuals affected with IRF2BP2-related conditions. This variant is not present in population databases (gnomAD no frequency). This variant, c.10_30del, results in the deletion of 7 amino acid(s) of the IRF2BP2 protein (p.Ala4_Ala10del), but otherwise preserves the integrity of the reading frame.